The following is an entry in ClinVar:

ClinVar aggregate classification (germline): Pathogenic/Likely pathogenic. Review status: criteria provided, multiple submitters, no conflicts (2 of 4 stars). 12 submissions from 12 submitters: Pathogenic (10); Likely pathogenic (1). 1 of the submissions does not count toward it. Last evaluated 2025-04-29.

Conditions:
Spastic paraplegia. Identifiers: MedGen C0037772, HP:0001258.
Charlevoix-Saguenay spastic ataxia (SACS). Also called: AUTOSOMAL RECESSIVE SPASTIC ATAXIA OF CHARLEVOIX-SAGUENAY; Spastic ataxia of Charlevoix-Saguenay; SPASTIC ATAXIA 6, AUTOSOMAL RECESSIVE. Identifiers: Orphanet 98, MedGen C1849140, MONDO:0010041, OMIM 270550.

Allele frequency attached by ClinVar (database versions not stated): gnomAD exomes below 0.00001.
gnomAD v4.1: 1 of 1,614,026 alleles (0.000062%); highest among the groups gnomAD compares: South Asian, 0.0011%; no homozygotes.

Submissions (12):

GeneDx
Classification: Likely pathogenic. Last evaluated: 2025-04-29. Review status: criteria provided, single submitter. Criteria: GeneDx Variant Classification Process June 2021. Collection method: clinical testing. Allele origin: germline. Affected: yes.
Comment: Reported along with a second variant in the SACS gene in two related patients and an unrelated patient with early onset cerebellar ataxia in the published literature (PMID: 18465152); Nonsense variant predicted to result in protein truncation or nonsense mediated decay in a gene for which loss of function is a known mechanism of disease; Not observed at significant frequency in large population cohorts (gnomAD); This variant is associated with the following publications: (PMID: 25525159, 18465152)

Natera, Inc.
Classification: Pathogenic for Charlevoix-Saguenay type spastic ataxia. Last evaluated: 2025-03-17. Review status: criteria provided, single submitter. Criteria: Natera Variant Classification Schema (03/2026). Collection method: clinical testing. Allele origin: germline.
Comment: The c.961C>T variant in SACS is a nonsense variant predicted to introduce a stop codon at amino acid 321. This variant is expected to result in nonsense mediated decay, truncation, or a dysfunctional protein product. This variant is rare in the general population with a frequency below the threshold expected for the associated phenotype(s). This variant has been observed in one or more individuals affected with the associated recessive disease, as either homozygous or compound heterozygous with a second variant (PMID: 18465152). Additionally, this variant has been observed to segregate in affected family members (PMID: 18465152). Given the available evidence, this variant is classified as Pathogenic.

Institute of Human Genetics, University of Leipzig Medical Center
Classification: Pathogenic for Charlevoix-Saguenay spastic ataxia. Last evaluated: 2024-11-12. Review status: criteria provided, single submitter. Criteria: ACMG Guidelines, 2015. Collection method: clinical testing. Allele origin: unknown. Inheritance: Autosomal recessive inheritance. Affected: yes.
Comment: Criteria applied: PVS1,PM2,PM3_STR; in trans with 1,5 Mb deletion which also contains the SACS gene

Fulgent Genetics
Classification: Pathogenic for Charlevoix-Saguenay spastic ataxia. Last evaluated: 2024-06-17. Review status: criteria provided, single submitter. Criteria: ACMG Guidelines, 2015. Collection method: clinical testing. Allele origin: germline.

Baylor Genetics
Classification: Pathogenic for Charlevoix-Saguenay spastic ataxia. Last evaluated: 2023-11-20. Review status: criteria provided, single submitter. Criteria: ACMG Guidelines, 2015. Collection method: clinical testing. Allele origin: unknown.

CeGaT Center for Human Genetics Tuebingen
Classification: Pathogenic. Last evaluated: 2022-11-01. Review status: criteria provided, single submitter. Criteria: CeGaT Center For Human Genetics Tuebingen Variant Classification Criteria Version 2. Collection method: clinical testing. Allele origin: germline. Affected: yes. Observed: 1 variant allele.
Comment: SACS: PVS1, PM2, PM3, PS4:Supporting

PROSPAX: an integrated multimodal progression  chart in spastic ataxias, Center for Neurology; Hertie-Institute for Clinical Brain Research
Classification: Pathogenic for Charlevoix-Saguenay spastic ataxia. Last evaluated: 2022-01-01. Review status: criteria provided, single submitter. Criteria: ACMG Guidelines, 2015. Collection method: research. Allele origin: germline. Affected: yes.

Women's Health and Genetics/Laboratory Corporation of America, LabCorp
Classification: Pathogenic for Charlevoix-Saguenay spastic ataxia. Last evaluated: 2021-10-20. Review status: criteria provided, single submitter. Criteria: LabCorp Variant Classification Summary - May 2015. Collection method: clinical testing. Allele origin: germline.
Comment: Variant summary: SACS c.961C>T (p.Arg321X) results in a premature termination codon, predicted to cause a truncation of the encoded protein or absence of the protein due to nonsense mediated decay, which are commonly known mechanisms for disease. Truncations downstream of this position have been classified as pathogenic by our laboratory. The variant allele was found at a frequency of 4e-06 in 251410 control chromosomes (gnomAD). c.961C>T has been reported in the literature in individuals affected with Autosomal Recessive Spastic Ataxia Of Charlevoix-Saguenay (Vermeer_2008, Prodi_2013). These data indicate that the variant is likely to be associated with disease. To our knowledge, no experimental evidence demonstrating an impact on protein function has been reported. Three ClinVar submitters (evaluation after 2014) cite the variant as pathogenic. Based on the evidence outlined above, the variant was classified as pathogenic.

Genome-Nilou Lab
Classification: Pathogenic for Charlevoix-Saguenay spastic ataxia. Last evaluated: 2021-09-05. Review status: criteria provided, single submitter. Criteria: ACMG Guidelines, 2015. Collection method: clinical testing. Allele origin: germline. Affected: no.

Labcorp Genetics (formerly Invitae), Labcorp
Classification: Pathogenic for Spastic paraplegia. Last evaluated: 2021-06-04. Review status: criteria provided, single submitter. Criteria: Invitae Variant Classification Sherloc (09022015). Collection method: clinical testing. Allele origin: germline.
Comment: This sequence change creates a premature translational stop signal (p.Arg321*) in the SACS gene. It is expected to result in an absent or disrupted protein product. Loss-of-function variants in SACS are known to be pathogenic (PMID: 18465152, 20876471). This variant is not present in population databases (ExAC no frequency). This variant has been observed in individual(s) with SACS-related conditions (PMID: 18465152). ClinVar contains an entry for this variant (Variation ID: 555502). For these reasons, this variant has been classified as Pathogenic.

Athena Diagnostics
Classification: Pathogenic. Last evaluated: 2021-05-26. Review status: criteria provided, single submitter. Criteria: Athena Diagnostics criteria. Collection method: clinical testing. Allele origin: unknown.
Comment: This variant is expected to result in the loss of a functional protein. The frequency of this variant in the general population is consistent with pathogenicity. This variant has been identified in at least one individual with clinical features associated with this gene.

Counsyl
Classification: Pathogenic for Charlevoix-Saguenay spastic ataxia. Last evaluated: 2017-12-11. Review status: no assertion criteria provided. Collection method: clinical testing. Allele origin: unknown. Not counted in ClinVar's aggregate classification.

Literature cited by the submitters: PubMed 18465152 (cited by 5 submitters); PubMed 22816526 (cited by Women's Health and Genetics/Laboratory Corporation of America, LabCorp and Counsyl); PubMed 20876471 (cited by Labcorp Genetics (formerly Invitae), Labcorp).

NM_014363.6(SACS):c.961C>T (p.Arg321Ter)

Gene: SACS (sacsin molecular chaperone; minus strand). Cytogenetic location: 13q12.12.
Variant type: single nucleotide variant.
Coding change: c.961C>T on transcript NM_014363.6 (MANE Select); coding-DNA position 961, C replaced by T.
Protein change: p.Arg321Ter; replaces arginine 321 with a stop codon.
Molecular consequence: nonsense.
Genome position (GRCh38, 1-based): chr13:23,355,651, G>A on the plus strand (C>T on the coding strand, the complement: SACS is on the minus strand). VCF-style: chr13-23355651-G-A. GRCh37 (hg19) VCF-style: chr13-23929790-G-A.
Other names: c.520C>T, p.Arg174Ter (NM_001278055.2); short protein forms R321*, R174*.
Identifiers: ClinVar variation 555502 (VCV000555502.59), dbSNP rs1175545518, ClinGen allele CA387550686.